The following is an entry in ClinVar:

ClinVar aggregate classification (germline): Uncertain significance (1 of 4 stars; one submission).

Conditions:
Inborn genetic diseases. Identifiers: MedGen C0950123, MeSH D030342.

Submission:

Ambry Genetics
Classification: Uncertain significance for Inborn genetic diseases. Last evaluated: 2025-11-10. Review status: criteria provided, single submitter. Criteria: Ambry Variant Classification Scheme 2023. Collection method: clinical testing. Allele origin: germline.
Comment: The p.T649N variant (also known as c.1946C>A), located in coding exon 20 of the ACADVL gene, results from a C to A substitution at nucleotide position 1946. The threonine at codon 649 is replaced by asparagine, an amino acid with similar properties. This amino acid position is conserved. In addition, the in silico prediction for this alteration is inconclusive. Based on the available evidence, the clinical significance of this variant remains unclear.

NM_000018.4(ACADVL):c.1946C>A (p.Thr649Asn)

Gene: ACADVL (acyl-CoA dehydrogenase very long chain; plus strand). Cytogenetic location: 17p13.1.
Variant type: single nucleotide variant.
Coding change: c.1946C>A on transcript NM_000018.4 (MANE Select); coding-DNA position 1946, C replaced by A.
Protein change: p.Thr649Asn; replaces threonine 649 with asparagine.
Molecular consequence: missense variant.
Genome position (GRCh38, 1-based): chr17:7,225,075, C>A. VCF-style: chr17-7225075-C-A. GRCh37 (hg19) VCF-style: chr17-7128394-C-A.
Other names: c.1880C>A, p.Thr627Asn (NM_001033859.3); c.2015C>A, p.Thr672Asn (NM_001270447.2); c.1718C>A, p.Thr573Asn (NM_001270448.2); short protein forms T573N, T627N, T649N, T672N.
Identifiers: ClinVar variation 4564995 (VCV004564995.1).
Genomic context (GRCh38, chr17:7,225,075, plus strand): 5'-AGCTCTACCGCAACTTCAAAAGCATCTCCAAGGCCTTGGTGGAGCGGGGTGGTGTGGTCA[C>A]CAGCAACCCACTTGGCTTCTGAATACTCCCGGCCAGGGCCTGTCCCAGTTATGTGCCTTC-3'
Protein context (NP_000009.1, residues 639-655): KALVERGGVV[Thr649Asn]SNPLGF